The following is an entry in ClinVar:

ClinVar aggregate classification (germline): Benign/Likely benign. Review status: criteria provided, multiple submitters, no conflicts (2 of 4 stars). 15 submissions from 14 submitters: Benign (10); Likely benign (3). 2 of the submissions do not count toward it. Last evaluated 2026-02-03.

Conditions:
Ehlers-Danlos syndrome, classic type, 1 (EDSCL1). Also called: Ehlers-Danlos syndrome, type 1; Ehlers-Danlos Syndrome, Classic Type, COL5A1-Related; EDS I; EHLERS-DANLOS SYNDROME, GRAVIS TYPE; EHLERS-DANLOS SYNDROME, SEVERE CLASSIC TYPE. Identifiers: MedGen C0268335, MONDO:0019567, OMIM 130000.
Fibromuscular dysplasia, multifocal. Identifiers: MedGen C5543412, MONDO:0859151, OMIM 619329.
Ehlers-Danlos syndrome (EDS). Identifiers: Orphanet 98249, MedGen C0013720, MONDO:0020066.
Familial thoracic aortic aneurysm and aortic dissection (TAAD). Also called: Thoracic aortic aneurysms and dissections. Identifiers: Orphanet 91387, MedGen C4707243, MONDO:0019625.

Allele frequency attached by ClinVar (database versions not stated): 1000 Genomes Project 30x 0.00640; 1000 Genomes Project 0.00679; TOPMed 0.00912; ESP Exome Variant Server 0.00946; gnomAD 0.00972 and 0.00985.
gnomAD v4.1: 20,805 of 1,613,888 alleles (1.3%); highest among the groups gnomAD compares: South Asian, 1.6%; 175 homozygotes.

Submissions (15):

Labcorp Genetics (formerly Invitae), Labcorp
Classification: Benign for Ehlers-Danlos syndrome, classic type, 1. Last evaluated: 2026-02-03. Review status: criteria provided, single submitter. Criteria: Invitae Variant Classification Sherloc (09022015). Collection method: clinical testing. Allele origin: germline.

ARUP Laboratories, Molecular Genetics and Genomics, ARUP Laboratories
Classification: Benign. Last evaluated: 2025-07-24. Review status: criteria provided, single submitter. Criteria: ARUP Molecular Germline Variant Investigation Process 2024. Collection method: clinical testing. Allele origin: germline.

Molecular Diagnostic Laboratory for Inherited Cardiovascular Disease, Montreal Heart Institute
Classification: Benign. Last evaluated: 2025-04-09. Review status: criteria provided, single submitter. Criteria: ACMG Guidelines, 2015. Collection method: clinical testing. Allele origin: germline. Affected: no.

Blueprint Genetics
Classification: Likely benign. Last evaluated: 2024-11-22. Review status: criteria provided, single submitter. Criteria: ACMG Guidelines, 2015. Collection method: clinical testing. Allele origin: germline.

Women's Health and Genetics/Laboratory Corporation of America, LabCorp
Classification: Likely benign. Last evaluated: 2023-07-21. Review status: criteria provided, single submitter. Criteria: LabCorp Variant Classification Summary - May 2015. Collection method: clinical testing. Allele origin: germline.

Mayo Clinic Laboratories, Mayo Clinic
Classification: Benign. Last evaluated: 2022-08-16. Review status: criteria provided, single submitter. Criteria: ACMG Guidelines, 2015. Collection method: clinical testing. Allele origin: germline. Observed: 134 variant alleles.
Comment: BS1, BS2

Genome Diagnostics Laboratory, The Hospital for Sick Children
Classification: Benign for Ehlers-Danlos syndrome. Last evaluated: 2022-06-17. Review status: criteria provided, single submitter. Criteria: ACMG Guidelines, 2015. Collection method: clinical testing. Allele origin: germline.

Genome-Nilou Lab
Classification: Benign for Ehlers-Danlos syndrome, classic type, 1. Last evaluated: 2022-03-15. Review status: criteria provided, single submitter. Criteria: ACMG Guidelines, 2015. Collection method: clinical testing. Allele origin: germline. Affected: no.

Genome-Nilou Lab
Classification: Benign for Fibromuscular dysplasia, multifocal. Last evaluated: 2022-03-15. Review status: criteria provided, single submitter. Criteria: ACMG Guidelines, 2015. Collection method: clinical testing. Allele origin: germline. Affected: no.

Ambry Genetics
Classification: Benign for Familial thoracic aortic aneurysm and aortic dissection. Last evaluated: 2015-03-24. Review status: criteria provided, single submitter. Criteria: Ambry Variant Classification Scheme 2023. Collection method: clinical testing. Allele origin: germline.

GeneDx
Classification: Benign. Last evaluated: 2013-06-23. Review status: criteria provided, single submitter. Criteria: GeneDx Variant Classification (06012015). Collection method: clinical testing. Allele origin: germline. Affected: yes.
Comment: This variant is considered likely benign or benign based on one or more of the following criteria: it is a conservative change, it occurs at a poorly conserved position in the protein, it is predicted to be benign by multiple in silico algorithms, and/or has population frequency not consistent with disease.

Breakthrough Genomics
Classification: Likely benign. Review status: criteria provided, single submitter. Criteria: ACMG Guidelines, 2015. Collection method: not provided. Allele origin: germline. Inheritance: Autosomal dominant inheritance. Affected: yes.

PreventionGenetics, part of Exact Sciences
Classification: Benign. Review status: criteria provided, single submitter. Criteria: ACMG Guidelines, 2015. Collection method: clinical testing. Allele origin: germline.

Genome Diagnostics Laboratory, Amsterdam University Medical Center
Classification: Benign. Review status: no assertion criteria provided. Collection method: clinical testing. Allele origin: germline. Affected: yes. Study: VKGL Data-share Consensus. Not counted in ClinVar's aggregate classification.

Genome Diagnostics Laboratory, University Medical Center Utrecht
Classification: Likely benign. Review status: no assertion criteria provided. Collection method: clinical testing. Allele origin: germline. Affected: yes. Study: VKGL Data-share Consensus. Not counted in ClinVar's aggregate classification.

NM_000093.5(COL5A1):c.2852A>G (p.Asn951Ser)

Gene: COL5A1 (collagen type V alpha 1 chain; plus strand). Cytogenetic location: 9q34.3.
Variant type: single nucleotide variant.
Coding change: c.2852A>G on transcript NM_000093.5 (MANE Select); coding-DNA position 2852, A replaced by G.
Protein change: p.Asn951Ser; replaces asparagine 951 with serine.
Molecular consequence: missense variant.
Genome position (GRCh38, 1-based): chr9:134,796,855, A>G. VCF-style: chr9-134796855-A-G. GRCh37 (hg19) VCF-style: chr9-137688701-A-G.
Other names: p.N951S:AAT>AGT; c.2852A>G, p.Asn951Ser (NM_001278074.1); short protein forms N951S.
Identifiers: ClinVar variation 136875 (VCV000136875.46), dbSNP rs61736966, ClinGen allele CA290247.
Genomic context (GRCh38, chr9:134,796,855, plus strand): 5'-GAGCTGCTCGGGAGAGACCTCTTGTCCTCAAACTGGCCTTTCTCTGTTCCCAGGGACCCA[A>G]TGGACCCCAAGGACCCACAGGATTTCCTGGACCAAAGGGCCCCCCTGTAAGTAATGGCTT-3'
Protein context (NP_000084.3, residues 941-961): PAGPPGERGP[Asn951Ser]GPQGPTGFPG